The following is an entry in ClinVar:

ClinVar aggregate classification (germline): Uncertain significance (1 of 4 stars; one submission).

Conditions:
Fraser syndrome 1 (FRASRS1). Also called: CRYPTOPHTHALMOS WITH OTHER MALFORMATIONS. Identifiers: Orphanet 2052, MedGen C4551480, MONDO:0054737, OMIM 219000.

Submission:

Juno Genomics, Hangzhou Juno Genomics, Inc
Classification: Uncertain significance for Fraser syndrome 1. Review status: criteria provided, single submitter. Criteria: ACMG Guidelines, 2015. Collection method: clinical testing. Allele origin: germline.
Comment: Absent from controls (or at extremely low frequency if recessive) in Genome Aggregation Database.;Multiple lines of computational evidence support a deleterious effect on the gene or gene product.

NM_025074.7(FRAS1):c.545G>A (p.Cys182Tyr)

Gene: FRAS1 (Fraser extracellular matrix complex subunit 1; plus strand). Cytogenetic location: 4q21.21.
Variant type: single nucleotide variant.
Coding change: c.545G>A on transcript NM_025074.7 (MANE Select); coding-DNA position 545, G replaced by A.
Protein change: p.Cys182Tyr; replaces cysteine 182 with tyrosine.
Molecular consequence: missense variant.
Genome position (GRCh38, 1-based): chr4:78,255,317, G>A. VCF-style: chr4-78255317-G-A. GRCh37 (hg19) VCF-style: chr4-79176471-G-A.
Other names: c.545G>A, p.Cys182Tyr (NM_001166133.2); short protein forms C182Y.
Identifiers: ClinVar variation 5006793 (VCV005006793.2).